The following is an entry in ClinVar:

ClinVar aggregate classification (germline): Likely benign (0 of 4 stars; one submission).

Conditions:
PLXNA2-related disorder. Also called: PLXNA2-related condition.

gnomAD v4.1: 12 of 1,614,046 alleles (0.00074%); highest among the groups gnomAD compares: Non-Finnish European, 0.00093%; no homozygotes.

Submission:

PreventionGenetics, part of Exact Sciences
Classification: Likely benign for PLXNA2-related condition. Last evaluated: 2023-05-24. Review status: no assertion criteria provided. Collection method: clinical testing. Allele origin: germline.
Comment: This variant is classified as likely benign based on ACMG/AMP sequence variant interpretation guidelines (Richards et al. 2015 PMID: 25741868, with internal and published modifications).

NM_025179.4(PLXNA2):c.5301G>T (p.Thr1767=)

Gene: PLXNA2 (plexin A2; minus strand). Cytogenetic location: 1q32.2.
Variant type: single nucleotide variant.
Coding change: c.5301G>T on transcript NM_025179.4 (MANE Select); coding-DNA position 5301, G replaced by T.
Protein change: p.Thr1767=; no amino-acid change (threonine 1767 retained).
Molecular consequence: synonymous variant.
Genome position (GRCh38, 1-based): chr1:208,028,967, C>A on the plus strand (G>T on the coding strand, the complement: PLXNA2 is on the minus strand). VCF-style: chr1-208028967-C-A. GRCh37 (hg19) VCF-style: chr1-208202312-C-A.
Identifiers: ClinVar variation 3355901 (VCV003355901.1).